The following is an entry in ClinVar:

ClinVar aggregate classification (germline): Likely benign (1 of 4 stars; one submission).

gnomAD v4.1: 104 of 1,551,666 alleles (0.0067%); highest among the groups gnomAD compares: African/African-American, 0.11%; 2 homozygotes.

Submission:

CeGaT Center for Human Genetics Tuebingen
Classification: Likely benign. Last evaluated: 2026-09-01. Review status: criteria provided, single submitter. Criteria: CeGaT Center For Human Genetics Tuebingen Variant Classification Criteria Version 2. Collection method: clinical testing. Allele origin: germline. Affected: yes. Observed: 1 variant allele.
Comment: INSYN2B: BP4, BP7

NM_001129891.3(INSYN2B):c.789C>T (p.Ser263=)

Genes: DOCK2 (dedicator of cytokinesis 2; plus strand), INSYN2B (inhibitory synaptic factor family member 2B; minus strand). Cytogenetic location: 5q35.1.
Variant type: single nucleotide variant.
Coding change: c.789C>T on transcript NM_001129891.3 (MANE Select); coding-DNA position 789, C replaced by T.
Protein change: p.Ser263=; no amino-acid change (serine 263 retained).
Molecular consequence: synonymous variant. On other transcripts: intron variant (1).
Genome position (GRCh38, 1-based): chr5:169,883,110, G>A on the plus strand (C>T on the coding strand, the complement: INSYN2B is on the minus strand). VCF-style: chr5-169883110-G-A. GRCh37 (hg19) VCF-style: chr5-169310114-G-A.
Other names: c.789C>T, p.Ser263= (NM_001346304.2); c.2799+42258G>A (NM_004946.3).
Identifiers: ClinVar variation 5041076 (VCV005041076.1).